The following is an entry in ClinVar:

ClinVar aggregate classification (germline): Pathogenic/Likely pathogenic. Review status: criteria provided, multiple submitters, no conflicts (2 of 4 stars). 5 submissions from 5 submitters: Pathogenic (2); Likely pathogenic (3). Last evaluated 2026-08-18.

Conditions:
Pheochromocytoma/paraganglioma syndrome 4. Also called: PARAGANGLIOMA, FAMILIAL MALIGNANT; PARAGANGLIOMAS, HEREDITARY EXTRAADRENAL; PHEOCHROMOCYTOMA, FAMILIAL EXTRAADRENAL; SDHB-Related Hereditary Paraganglioma-Pheochromocytoma Syndrome (Paragangliomas 4); SDHB-Related Hereditary Paraganglioma-Pheochromocytoma Syndrome; Paragangliomas 4. Identifiers: Orphanet 29072, MedGen C1861848, MONDO:0007273, OMIM 115310.
Pheochromocytoma. Also called: MAX-Related Hereditary Paraganglioma-Pheochromocytoma Syndrome. Identifiers: Orphanet 29072, MedGen C0031511, MONDO:0008233, OMIM 171300, HP:0002666.
Gastrointestinal stromal tumor. Also called: Gastrointestinal stroma tumor; Gastrointestinal stromal tumor, somatic. Identifiers: Orphanet 44890, MedGen C0238198, MeSH D046152, MONDO:0011719, OMIM 606764, HP:0100723.
Hereditary cancer-predisposing syndrome. Also called: Tumor predisposition; Neoplastic Syndromes, Hereditary; Hereditary Cancer Syndrome; Hereditary neoplastic syndrome. Identifiers: Orphanet 140162, MedGen C0027672, MeSH D009386, MONDO:0015356.

Submissions (5):

Ambry Genetics
Classification: Pathogenic for Hereditary cancer-predisposing syndrome. Last evaluated: 2026-08-18. Review status: criteria provided, single submitter. Criteria: Ambry Variant Classification Scheme 2023. Collection method: clinical testing. Allele origin: germline.
Comment: The p.G99D variant (also known as c.296G>A), located in coding exon 4 of the SDHB gene, results from a G to A substitution at nucleotide position 296. The glycine at codon 99 is replaced by aspartic acid, an amino acid with similar properties. This variant was reported in individual(s) with features consistent with SDHB-related hereditary pheochromocytoma-paraganglioma (Benn DE et al. J Clin Endocrinol Metab, 2006 Mar;91:827-36; Andrews KA et al. J Med Genet, 2018 06;55:384-394; Bayley JP et al. J Med Genet, 2020 02;57:96-103; Ambry internal data). This variant is considered to be rare based on population cohorts in the Genome Aggregation Database (gnomAD). This amino acid position is highly conserved in available vertebrate species. In addition, this alteration is predicted to be deleterious by in silico analysis. Based on the supporting evidence, this variant is interpreted as a disease-causing mutation.

Myriad Genetics, Inc.
Classification: Likely pathogenic for Pheochromocytoma/paraganglioma syndrome 4. Last evaluated: 2026-02-24. Review status: criteria provided, single submitter. Criteria: Myriad Autosomal Dominant, Autosomal Recessive and X-Linked Classification Criteria (2023). Collection method: clinical testing. Allele origin: unknown.
Comment: This variant is considered likely pathogenic. Functional studies indicate this variant impacts protein function [PMID: 41252211]. This variant is expected to disrupt protein structure [Myriad internal data]. This variant has been reported in multiple individuals with clinical features of gene-specific disease [PMID: 16317055, 34906457, 31492822].

Labcorp Genetics (formerly Invitae), Labcorp
Classification: Pathogenic for Gastrointestinal stromal tumor; Pheochromocytoma/paraganglioma syndrome 4; Pheochromocytoma. Last evaluated: 2025-07-20. Review status: criteria provided, single submitter. Criteria: Invitae Variant Classification Sherloc (09022015). Collection method: clinical testing. Allele origin: germline.
Comment: This sequence change replaces glycine, which is neutral and non-polar, with aspartic acid, which is acidic and polar, at codon 99 of the SDHB protein (p.Gly99Asp). This variant is not present in population databases (gnomAD no frequency). This missense change has been observed in individuals with paraganglioma and/or pheochromocytoma (PMID: 16317055, 31492822; internal data). ClinVar contains an entry for this variant (Variation ID: 239428). Invitae Evidence Modeling of protein sequence and biophysical properties (such as structural, functional, and spatial information, amino acid conservation, physicochemical variation, residue mobility, and thermodynamic stability) indicates that this missense variant is expected to disrupt SDHB protein function with a positive predictive value of 80%. For these reasons, this variant has been classified as Pathogenic.

Molecular Pathology, Peter Maccallum Cancer Centre
Classification: Likely pathogenic for Pheochromocytoma/paraganglioma syndrome 4. Last evaluated: 2024-11-07. Review status: criteria provided, single submitter. Criteria: ACMG Guidelines, 2015. Collection method: clinical testing. Allele origin: germline. Inheritance: Autosomal dominant inheritance.

GeneDx
Classification: Likely pathogenic. Last evaluated: 2022-07-25. Review status: criteria provided, single submitter. Criteria: GeneDx Variant Classification Process June 2021. Collection method: clinical testing. Allele origin: germline. Affected: yes.
Comment: Not observed at significant frequency in large population cohorts (gnomAD); In silico analysis supports that this missense variant has a deleterious effect on protein structure/function; Observed in individuals with paraganglioma and/or pheochromocytoma (Benn et al., 2006; Andrews et al., 2018; Bayley et al., 2020); This variant is associated with the following publications: (PMID: 15989954, 16317055, 29386252, 33162331, 19802898, 25972245, 19215943, 31492822, 29315604)

Literature cited by the submitters: PubMed 16317055 (cited by 3 submitters); PubMed 29386252 (cited by Ambry Genetics); PubMed 31492822 (cited by 3 submitters); PubMed 34906457 (cited by Ambry Genetics and Myriad Genetics, Inc.); PubMed 41252211 (cited by Myriad Genetics, Inc.).

NM_003000.3(SDHB):c.296G>A (p.Gly99Asp)

Gene: SDHB (succinate dehydrogenase complex iron sulfur subunit B; minus strand). Cytogenetic location: 1p36.13.
Variant type: single nucleotide variant.
Coding change: c.296G>A on transcript NM_003000.3 (MANE Select); coding-DNA position 296, G replaced by A.
Protein change: p.Gly99Asp; replaces glycine 99 with aspartic acid.
Molecular consequence: missense variant.
Genome position (GRCh38, 1-based): chr1:17,028,727, C>T on the plus strand (G>A on the coding strand, the complement: SDHB is on the minus strand). VCF-style: chr1-17028727-C-T. GRCh37 (hg19) VCF-style: chr1-17355222-C-T.
Other names: short protein forms G99D.
Identifiers: ClinVar variation 239428 (VCV000239428.16), dbSNP rs878854576, ClinGen allele CA10581747.